The following is an entry in ClinVar:

NM_032888.4(COL27A1):c.676C>A (p.His226Asn)

Gene: COL27A1 (collagen type XXVII alpha 1 chain; plus strand). Cytogenetic location: 9q32.
Variant type: single nucleotide variant.
Coding change: c.676C>A on transcript NM_032888.4 (MANE Select); coding-DNA position 676, C replaced by A.
Protein change: p.His226Asn; replaces histidine 226 with asparagine.
Molecular consequence: missense variant.
Genome position (GRCh38, 1-based): chr9:114,168,231, C>A. VCF-style: chr9-114168231-C-A. GRCh37 (hg19) VCF-style: chr9-116930511-C-A.
Other names: short protein forms H226N.
Identifiers: ClinVar variation 1427526 (VCV001427526.6), dbSNP rs779610682, ClinGen allele CA198607961.

ClinVar aggregate classification (germline): Uncertain significance (1 of 4 stars; one submission).

gnomAD v4.1: 4 of 1,613,922 alleles (0.00025%); highest among the groups gnomAD compares: Admixed American, 0.0033%; no homozygotes.

Submission:

Labcorp Genetics (formerly Invitae), Labcorp
Classification: Uncertain significance. Last evaluated: 2024-08-12. Review status: criteria provided, single submitter. Criteria: Invitae Variant Classification Sherloc (09022015). Collection method: clinical testing. Allele origin: germline.
Comment: This sequence change replaces histidine, which is basic and polar, with asparagine, which is neutral and polar, at codon 226 of the COL27A1 protein (p.His226Asn). This variant is present in population databases (no rsID available, gnomAD 0.003%). This variant has not been reported in the literature in individuals affected with COL27A1-related conditions. ClinVar contains an entry for this variant (Variation ID: 1427526). Advanced modeling of protein sequence and biophysical properties (such as structural, functional, and spatial information, amino acid conservation, physicochemical variation, residue mobility, and thermodynamic stability) performed at Invitae indicates that this missense variant is not expected to disrupt COL27A1 protein function with a negative predictive value of 95%. In summary, the available evidence is currently insufficient to determine the role of this variant in disease. Therefore, it has been classified as a Variant of Uncertain Significance.